The following is an entry in ClinVar:

ClinVar aggregate classification (germline): Uncertain significance. Review status: criteria provided, multiple submitters, no conflicts (2 of 4 stars). 2 submissions from 2 submitters: Uncertain significance (2). Last evaluated 2025-06-10.

Conditions:
Inborn genetic diseases. Identifiers: MedGen C0950123, MeSH D030342.
Developmental and epileptic encephalopathy. Identifiers: MedGen C5779964, MONDO:0100620.

Allele frequency attached by ClinVar (database versions not stated): gnomAD 0.00001; gnomAD exomes below 0.00001; TOPMed 0.00002.

Submissions (2):

Ambry Genetics
Classification: Uncertain significance for Inborn genetic diseases. Last evaluated: 2025-06-10. Review status: criteria provided, single submitter. Criteria: Ambry Variant Classification Scheme 2023. Collection method: clinical testing. Allele origin: germline.

Labcorp Genetics (formerly Invitae), Labcorp
Classification: Uncertain significance for Early-infantile DEE. Last evaluated: 2021-11-27. Review status: criteria provided, single submitter. Criteria: Invitae Variant Classification Sherloc (09022015). Collection method: clinical testing. Allele origin: germline.
Comment: This sequence change replaces glutamine, which is neutral and polar, with glutamic acid, which is acidic and polar, at codon 66 of the CACNA2D2 protein (p.Gln66Glu). This variant is present in population databases (no rsID available, gnomAD 0.1%). This variant has not been reported in the literature in individuals affected with CACNA2D2-related conditions. Algorithms developed to predict the effect of missense changes on protein structure and function are either unavailable or do not agree on the potential impact of this missense change (SIFT: "Tolerated"; PolyPhen-2: "Probably Damaging"; Align-GVGD: "Class C0"). In summary, the available evidence is currently insufficient to determine the role of this variant in disease. Therefore, it has been classified as a Variant of Uncertain Significance.

NM_006030.4(CACNA2D2):c.196C>G (p.Gln66Glu)

Gene: CACNA2D2 (calcium voltage-gated channel auxiliary subunit alpha2delta 2; minus strand). Cytogenetic location: 3p21.31.
Variant type: single nucleotide variant.
Coding change: c.196C>G on transcript NM_006030.4 (MANE Select); coding-DNA position 196, C replaced by G.
Protein change: p.Gln66Glu; replaces glutamine 66 with glutamic acid.
Molecular consequence: missense variant. On other transcripts: intron variant (1).
Genome position (GRCh38, 1-based): chr3:50,503,228, G>C on the plus strand (C>G on the coding strand, the complement: CACNA2D2 is on the minus strand). VCF-style: chr3-50503228-G-C. GRCh37 (hg19) VCF-style: chr3-50540659-G-C.
Other names: c.196C>G, p.Gln66Glu (NM_001005505.3, NM_001174051.3); c.-2+841C>G (NM_001291101.1); c.196C>G (NM_001174051.1); short protein forms Q66E.
Identifiers: ClinVar variation 1392683 (VCV001392683.7), dbSNP rs1387533563, ClinGen allele CA353000186.